The following is an entry in ClinVar:

ClinVar aggregate classification (germline): Benign (1 of 4 stars; one submission).

Allele frequency attached by ClinVar (database versions not stated): TOPMed 0.38581; gnomAD exomes 0.44176; gnomAD 0.38097 and 0.37615; 1000 Genomes Project 0.38598; 1000 Genomes Project 30x 0.38023.
gnomAD v4.1: 490,758 of 1,133,038 alleles (43%); highest among the groups gnomAD compares: Admixed American, 60%; 109,495 homozygotes.

Submissions (2):

GeneDx
Classification: Benign. Last evaluated: 2018-06-14. Review status: criteria provided, single submitter. Criteria: GeneDx Variant Classification (06012015). Collection method: clinical testing. Allele origin: germline. Affected: yes.
Comment: This variant is considered likely benign or benign based on one or more of the following criteria: it is a conservative change, it occurs at a poorly conserved position in the protein, it is predicted to be benign by multiple in silico algorithms, and/or has population frequency not consistent with disease.

Dr. Peter K. Rogan Lab, Western University
No classification provided (evidence only). Condition: Malignant lymphoma, large B-cell, diffuse. Review status: no classification provided. Collection method: in vitro. Allele origin: not applicable. Functional consequence: retained intron. Not counted in ClinVar's aggregate classification.

NM_032119.4(ADGRV1):c.11940+78A>G

Gene: ADGRV1 (adhesion G protein-coupled receptor V1; plus strand). Cytogenetic location: 5q14.3.
Variant type: single nucleotide variant.
Coding change: c.11940+78A>G on transcript NM_032119.4 (MANE Select); 78 bases into the intron after coding-DNA position 11940, A replaced by G.
Molecular consequence: intron variant.
Genome position (GRCh38, 1-based): chr5:90,757,239, A>G. VCF-style: chr5-90757239-A-G. GRCh37 (hg19) VCF-style: chr5-90053056-A-G.
Other names: NC_000005.9:g.90053056A>G.
Identifiers: ClinVar variation 674386 (VCV000674386.2), dbSNP rs2443065, ClinGen allele CA122799226.
Genomic context (GRCh38, chr5:90,757,239, plus strand): 5'-ATATTAGCCTTTTTGAGTTGTGCTTCAGACATTTTGTAGGCATCCATCAAATGAATGTAC[A>G]TTGGTGATTGCTAAATGCATTATACTCTAAATGTTTCTATGTTAAGTCAAACAAATATTA-3'